The following is an entry in ClinVar:

ClinVar aggregate classification (germline): Uncertain significance (1 of 4 stars; one submission).

Submission:

Women's Health and Genetics/Laboratory Corporation of America, LabCorp
Classification: Uncertain significance. Last evaluated: 2023-07-03. Review status: criteria provided, single submitter. Criteria: LabCorp Variant Classification Summary - May 2015. Collection method: clinical testing. Allele origin: germline.
Comment: Variant summary: FBXO11 c.2655-14T>G alters a non-conserved nucleotide located close to a canonical splice site and therefore could affect mRNA splicing, leading to a significantly altered protein sequence. 3/4 computational tools predict no significant impact on normal splicing. However, these predictions have yet to be confirmed by functional studies. The variant was absent in 249636 control chromosomes. The available data on variant occurrences in the general population are insufficient to allow any conclusion about variant significance. To our knowledge, no occurrence of c.2655-14T>G in individuals affected with Intellectual Developmental Disorder With Dysmorphic Facies And Behavioral Abnormalities and no experimental evidence demonstrating its impact on protein function have been reported. No submitters have cited clinical-significance assessments for this variant to ClinVar after 2014. Based on the evidence outlined above, the variant was classified as uncertain significance.

NM_001190274.2(FBXO11):c.2655-14T>G

Genes: FBXO11 (F-box protein 11; minus strand), MSH6 (mutS homolog 6; plus strand). Cytogenetic location: 2p16.3.
Variant type: single nucleotide variant.
Coding change: c.2655-14T>G on transcript NM_001190274.2 (MANE Select); 14 bases into the intron before coding-DNA position 2655, T replaced by G.
Molecular consequence: intron variant.
Genome position (GRCh38, 1-based): chr2:47,808,261, A>C on the plus strand (T>G on the coding strand, the complement: FBXO11 is on the minus strand). VCF-style: chr2-47808261-A-C. GRCh37 (hg19) VCF-style: chr2-48035400-A-C.
Other names: c.*43+1358A>C (NM_001406809.1); c.*40+1361A>C (NM_001406796.1, NM_001406811.1, NM_001406805.1 and 2 more transcripts); c.2403-14T>G (NM_001374325.1, NM_025133.4).
Identifiers: ClinVar variation 2577349 (VCV002577349.1), dbSNP rs2530938187, ClinGen allele CA2580612574.
Genomic context (GRCh38, chr2:47,808,261, plus strand): 5'-ATGTACAAGGATTAGACAGTGTTCCAGCACCACAGTCACAGAAAAACCTAAAGCAAAATG[A>C]AACCCAAATATTAGAAAAGTGAGGGGGAAAGTAATTGGGTAATATATCAAGCAAGTGTGC-3'